The following is an entry in ClinVar:

NM_007294.4(BRCA1):c.5319dup (p.Asn1774fs)

Gene: BRCA1 (BRCA1 DNA repair associated; minus strand). Cytogenetic location: 17q21.31.
Variant type: Duplication.
Coding change: c.5319dup on transcript NM_007294.4 (MANE Select); coding-DNA position 5319, one base duplicated (C; older notation c.5319dupC).
Protein change: p.Asn1774fs; shifts the reading frame from asparagine 1774.
Molecular consequence: frameshift variant. On other transcripts: non-coding transcript variant (1).
Genome position (GRCh38, 1-based): chr17:43,051,076, G duplicated on the plus strand (C on the coding strand, the reverse complement: BRCA1 is on the minus strand); the first of 2 consecutive G bases (chr17:43,051,076-43,051,077); duplicating either gives the same sequence. VCF-style (leftmost placement, unchanged base first): chr17-43051075-T-TG. GRCh37 (hg19) VCF-style: chr17-41203092-T-TG.
Other names: BRCA1:c.5319_5320insC (p.Thr1773_Asn1774delinsThrGlnHisfs); 5438insC; c.5319_5320insC (U14680.1); c.5319dupC (NM_007294.3); c.5189dup, p.Asn1731Glnfs (NM_001407687.1, NM_001407688.1, NM_001407689.1 and 6 more transcripts); c.5186dup, p.Asn1730Glnfs (NM_001407690.1, NM_001407691.1); c.5177dup, p.Asn1727Glnfs (NM_001407692.1, NM_001407694.1, NM_001407695.1 and 12 more transcripts); c.5174dup, p.Asn1726Glnfs (NM_001407732.1, NM_001407733.1, NM_001407734.1 and 21 more transcripts); and 79 more; short protein forms N1774fs, N670fs, N1727fs, N1795fs.
Identifiers: ClinVar variation 55523 (VCV000055523.35), dbSNP rs80357823, ClinGen allele CA003472.
Genomic context (GRCh38, chr17:43,051,075, plus strand): 5'-TAAGACAAAGGCTGGTGCTGGAACTCTGGGGTTCTCCCAGGCTCTTACCTGTGGGCATGT[T>TG]GGTGAAGGGCCCATAGCAACAGATTTCTAGCCCCCTGAAGATCTGGAAGAAGAGAGGAAG-3'

ClinVar aggregate classification (germline): Pathogenic. Review status: reviewed by expert panel (3 of 4 stars). 17 submissions from 17 submitters: Pathogenic (1). 16 of the submissions do not count toward it. Last evaluated 2016-09-08.

Conditions:
Breast and/or ovarian cancer. Identifiers: MedGen CN221562.
Hereditary cancer-predisposing syndrome. Also called: Hereditary Cancer Syndrome; Hereditary neoplastic syndrome; Neoplastic Syndromes, Hereditary; Tumor predisposition. Identifiers: Orphanet 140162, MedGen C0027672, MeSH D009386, MONDO:0015356.
Hereditary breast ovarian cancer syndrome. Also called: BRCA1- and BRCA2-Associated Hereditary Breast and Ovarian Cancer; Hereditary breast and ovarian cancer syndrome; Hereditary breast and ovarian cancer syndrome (HBOC); Breast and ovarian cancer; Hereditary breast and/or ovarian cancer syndrome; Hereditary breast and ovarian cancer. Identifiers: Orphanet 145, MedGen C0677776, MeSH D061325, MONDO:0003582. Disease mechanism: loss of function.
Breast-ovarian cancer, familial, susceptibility to, 1 (BROVCA1). Also called: BRCA1 Hereditary Breast and Ovarian Cancer; OVARIAN CANCER, SUSCEPTIBILITY TO. Identifiers: Orphanet 145, MedGen C2676676, MONDO:0011450, OMIM 604370. Disease mechanism: loss of function.
BRCA1-related cancer predisposition. Identifiers: MedGen CN377757, MONDO:0700268.

Submissions 1 to 9 of 17:

Evidence-based Network for the Interpretation of Germline Mutant Alleles (ENIGMA)
Classification: Pathogenic for Breast-ovarian cancer, familial, susceptibility to, 1. Last evaluated: 2016-09-08. Review status: reviewed by expert panel. Criteria: ENIGMA BRCA1/2 Classification Criteria (2015). Collection method: curation. Allele origin: germline.
Comment: Variant allele predicted to encode a truncated non-functional protein.

Labcorp Genetics (formerly Invitae), Labcorp
Classification: Pathogenic for Hereditary breast ovarian cancer syndrome. Last evaluated: 2025-08-07. Review status: criteria provided, single submitter. Criteria: Invitae Variant Classification Sherloc (09022015). Collection method: clinical testing. Allele origin: germline. Not counted in ClinVar's aggregate classification.
Comment: This sequence change creates a premature translational stop signal (p.Asn1774Glnfs*56) in the BRCA1 gene. It is expected to result in an absent or disrupted protein product. Loss-of-function variants in BRCA1 are known to be pathogenic (PMID: 20104584). This variant is not present in population databases (gnomAD no frequency). This premature translational stop signal has been observed in individual(s) with breast and/or ovarian cancer and pancreatic cancer (PMID: 7894491, 11938448, 18779604, 25940717, 27062684). It has also been observed to segregate with disease in related individuals. This variant is also known as c.5319_5320insC or c.5438insC. ClinVar contains an entry for this variant (Variation ID: 55523). For these reasons, this variant has been classified as Pathogenic.

Ambry Genetics
Classification: Pathogenic for Hereditary cancer-predisposing syndrome. Last evaluated: 2024-11-20. Review status: criteria provided, single submitter. Criteria: Ambry Variant Classification Scheme 2023. Collection method: clinical testing. Allele origin: germline. Not counted in ClinVar's aggregate classification.
Comment: The c.5319dupC pathogenic mutation, located in coding exon 19 of the BRCA1 gene, results from a duplication of C at nucleotide position 5319, causing a translational frameshift with a predicted alternate stop codon (p.N1774Qfs*56). This mutation has been reported in numerous breast and/or ovarian cancer families (Castilla LH et al. Nat. Genet. 1994 Dec;8:387-91; Nedelcu R et al. Eur. J. Hum. Genet. 2002 Feb;10:150-2; Judkins T et al. Cancer Res. 2005 Nov;65:10096-103; Brooks GA et al. Cancer Biol. Ther. 2006 Sep;5:1098-102; Kurian AW et al. J. Clin. Oncol. 2008 Oct;26:4752-8; Azzollini J et al. Eur. J. Intern. Med. 2016 Jul;32:65-71). This mutation was also reported in an individual with pancreatic cancer who met NCCN BRCA1 and BRCA2 testing criteria (Holter S et al. J. Clin. Oncol. 2015 Oct;33:3124-9). Of note, this alteration is also designated as 5438insC and 5319_5320insC in published literature. In addition to the clinical data presented in the literature, this alteration is expected to result in loss of function by premature protein truncation. As such, this alteration is interpreted as a disease-causing mutation.

All of Us Research Program, National Institutes of Health
Classification: Pathogenic for BRCA1-related cancer predisposition. Last evaluated: 2024-09-02. Review status: criteria provided, single submitter. Criteria: ACMG Guidelines, 2015. Collection method: clinical testing. Allele origin: germline. Inheritance: Autosomal dominant inheritance. Observed: 2 variant alleles, 2 heterozygotes. Not counted in ClinVar's aggregate classification.
Comment: This variant inserts 1 nucleotide in exon 20 of the BRCA1 gene, creating a frameshift and premature translation stop signal. This variant is expected to result in an absent or non-functional protein product. This variant is also known as c.5319_5320insC and 5438insC in the literature. This variant has been reported in individuals and families affected with breast and ovarian cancer (PMID: 7894491, 16912212, 18779604, 27062684, 30103829) and pancreatic cancer (PMID: 25940717). This variant has not been identified in the general population by the Genome Aggregation Database (gnomAD). Loss of BRCA1 function is a known mechanism of disease. Based on the available evidence, this variant is classified as Pathogenic.

This study involves interpretation of variants in research participants for the purpose of population health screening. Participant phenotype was not available at the time of variant classification. Additional details can be found in publication PMID: 35346344, PMCID: PMC8962531

GeneDx
Classification: Pathogenic. Last evaluated: 2024-02-14. Review status: criteria provided, single submitter. Criteria: GeneDx Variant Classification Process June 2021. Collection method: clinical testing. Allele origin: germline. Affected: yes. Not counted in ClinVar's aggregate classification.
Comment: Frameshift variant predicted to result in protein truncation in a gene for which loss of function is a known mechanism of disease; Not observed at significant frequency in large population cohorts (gnomAD); Truncating variants in this gene are considered pathogenic by a well-established clinical consortium and/or database; Also known as 5438dupC; This variant is associated with the following publications: (PMID: 28888541, 31794323, 32438681, 7894491, 11938448, 20104584, 27062684, 18779604, 16267036, 16931905, 26295337, 30103829, 25940717, 30787465)

Color Diagnostics, LLC DBA Color Health
Classification: Pathogenic for Hereditary cancer-predisposing syndrome. Last evaluated: 2023-08-14. Review status: criteria provided, single submitter. Criteria: ACMG Guidelines, 2015. Collection method: clinical testing. Allele origin: germline. Not counted in ClinVar's aggregate classification.
Comment: This variant inserts 1 nucleotide in exon 20 of the BRCA1 gene, creating a frameshift and premature translation stop signal. This variant is expected to result in an absent or non-functional protein product. This variant is also known as c.5319_5320insC and 5438insC in the literature. This variant has been reported in individuals and families affected with breast and ovarian cancer (PMID: 7894491, 16912212, 18779604, 27062684, 30103829) and pancreatic cancer (PMID: 25940717). This variant has not been identified in the general population by the Genome Aggregation Database (gnomAD). Loss of BRCA1 function is a known mechanism of disease. Based on the available evidence, this variant is classified as Pathogenic.

Baylor Genetics
Classification: Pathogenic for Breast-ovarian cancer, familial, susceptibility to, 1. Last evaluated: 2023-07-29. Review status: criteria provided, single submitter. Criteria: ACMG Guidelines, 2015. Collection method: clinical testing. Allele origin: unknown. Not counted in ClinVar's aggregate classification.

Quest Diagnostics Nichols Institute San Juan Capistrano
Classification: Pathogenic. Last evaluated: 2023-06-13. Review status: criteria provided, single submitter. Criteria: Quest Diagnostics criteria. Collection method: clinical testing. Allele origin: unknown. Not counted in ClinVar's aggregate classification.
Comment: The BRCA1 c.5319dup (p.Asn1774Glnfs*56) variant alters the translational reading frame of the BRCA1 mRNA and causes the premature termination of BRCA1 protein synthesis. This variant has been reported in the published literature in affected individuals with breast and/or ovarian cancer (PMIDs: 11938448 (2002), 16267036 (2005), 18779604 (2008), 27062684 (2016), 30103829 (2018), and 32438681 (2020)). This variant has not been reported in large, multi-ethnic general populations (Genome Aggregation Database). Based on the available information, this variant is classified as pathogenic.

Mayo Clinic Laboratories, Mayo Clinic
Classification: Pathogenic. Last evaluated: 2020-11-30. Review status: criteria provided, single submitter. Criteria: ACMG Guidelines, 2015. Collection method: clinical testing. Allele origin: germline. Observed: 1 variant allele. Not counted in ClinVar's aggregate classification.
Comment: PVS1, PM2, PP5